The following is an entry in ClinVar:

NM_015354.3(NUP188):c.749A>G (p.Asn250Ser)

Gene: NUP188 (nucleoporin 188; plus strand). Cytogenetic location: 9q34.11.
Variant type: single nucleotide variant.
Coding change: c.749A>G on transcript NM_015354.3 (MANE Select); coding-DNA position 749, A replaced by G.
Protein change: p.Asn250Ser; replaces asparagine 250 with serine.
Molecular consequence: missense variant.
Genome position (GRCh38, 1-based): chr9:128,968,669, A>G. VCF-style: chr9-128968669-A-G. GRCh37 (hg19) VCF-style: chr9-131730948-A-G.
Other names: short protein forms N250S.
Identifiers: ClinVar variation 4686762 (VCV004686762.1).
Genomic context (GRCh38, chr9:128,968,669, plus strand): 5'-GTGACTTACTTGTATTAACCAAGATGTTTAAAGAGCAAGGATTTGGTAGTAGGCAGACCA[A>G]TAGGCACCTGGTGGATGAGACTATGGATCCTTTTGTAGATCGGATTGGGTAAGTCAGTGA-3'
Protein context (NP_056169.1, residues 240-260): KEQGFGSRQT[Asn250Ser]RHLVDETMDP

ClinVar aggregate classification (germline): Uncertain significance (1 of 4 stars; one submission).

gnomAD v4.1: 59 of 1,614,196 alleles (0.0037%); highest among the groups gnomAD compares: South Asian, 0.034%; no homozygotes.

Submission:

GeneDx
Classification: Uncertain significance. Last evaluated: 2025-07-22. Review status: criteria provided, single submitter. Criteria: GeneDx Variant Classification Process June 2021. Collection method: clinical testing. Allele origin: germline. Affected: yes.
Comment: In silico analysis suggests that this missense variant does not alter protein structure/function; Has not been previously published as pathogenic or benign to our knowledge